The following is an entry in ClinVar:

NM_002439.5(MSH3):c.2785A>T (p.Ile929Phe)

Gene: MSH3 (mutS homolog 3; plus strand). Cytogenetic location: 5q14.1.
Variant type: single nucleotide variant.
Coding change: c.2785A>T on transcript NM_002439.5 (MANE Select); coding-DNA position 2785, A replaced by T.
Protein change: p.Ile929Phe; replaces isoleucine 929 with phenylalanine.
Molecular consequence: missense variant.
Genome position (GRCh38, 1-based): chr5:80,813,713, A>T. VCF-style: chr5-80813713-A-T. GRCh37 (hg19) VCF-style: chr5-80109532-A-T.
Other names: short protein forms I929F.
Identifiers: ClinVar variation 965474 (VCV000965474.11), dbSNP rs759266003, ClinGen allele CA360274069.
Genomic context (GRCh38, chr5:80,813,713, plus strand): 5'-GTTGCATTGATTACCATCATGGCTCAGATTGGCTCCTATGTTCCTGCAGAAGAAGCGACA[A>T]TTGGGATTGTGGATGGCATTTTCACAAGGTAAGTACGTTAATTCAGCTTGCATATATTCT-3'
Protein context (NP_002430.3, residues 919-939): GSYVPAEEAT[Ile929Phe]GIVDGIFTRM

ClinVar aggregate classification (germline): Uncertain significance. Review status: criteria provided, multiple submitters, no conflicts (2 of 4 stars). 3 submissions from 3 submitters: Uncertain significance (3). Last evaluated 2025-10-07.

Conditions:
Hereditary cancer-predisposing syndrome. Also called: Hereditary neoplastic syndrome; Neoplastic Syndromes, Hereditary; Hereditary Cancer Syndrome; Tumor predisposition. Identifiers: Orphanet 140162, MedGen C0027672, MeSH D009386, MONDO:0015356.
Endometrial carcinoma. Also called: Endometrial carcinoma, somatic. Identifiers: MedGen C0476089, MONDO:0002447, OMIM 608089, HP:0012114.

Allele frequency attached by ClinVar (database versions not stated): gnomAD 0.00001; TOPMed 0.00001.
gnomAD v4.1: 4 of 1,614,046 alleles (0.00025%); highest among the groups gnomAD compares: Non-Finnish European, 0.00034%; no homozygotes.

Submissions (3):

Labcorp Genetics (formerly Invitae), Labcorp
Classification: Uncertain significance. Last evaluated: 2025-10-07. Review status: criteria provided, single submitter. Criteria: Invitae Variant Classification Sherloc (09022015). Collection method: clinical testing. Allele origin: germline.
Comment: This sequence change replaces isoleucine, which is neutral and non-polar, with phenylalanine, which is neutral and non-polar, at codon 929 of the MSH3 protein (p.Ile929Phe). This variant is present in population databases (no rsID available, gnomAD 0.002%). This missense change has been observed in individual(s) with colorectal cancer (PMID: 25142776). ClinVar contains an entry for this variant (Variation ID: 965474). An algorithm developed to predict the effect of missense changes on protein structure and function (PolyPhen-2) suggests that this variant is likely to be disruptive. In summary, the available evidence is currently insufficient to determine the role of this variant in disease. Therefore, it has been classified as a Variant of Uncertain Significance.

Ambry Genetics
Classification: Uncertain significance for Hereditary cancer-predisposing syndrome. Last evaluated: 2024-01-04. Review status: criteria provided, single submitter. Criteria: Ambry Variant Classification Scheme 2023. Collection method: clinical testing. Allele origin: germline.
Comment: The p.I929F variant (also known as c.2785A>T), located in coding exon 20 of the MSH3 gene, results from an A to T substitution at nucleotide position 2785. The isoleucine at codon 929 is replaced by phenylalanine, an amino acid with highly similar properties. This alteration has been reported as an uncertain variant in a cohort of 152 colorectal cancer patients (Kraus C et al. Int J Cancer, 2015 Mar;136:E559-68). This amino acid position is not well conserved in available vertebrate species. In addition, this alteration is predicted to be tolerated by in silico analysis. Since supporting evidence is limited at this time, the clinical significance of this alteration remains unclear.

Baylor Genetics
Classification: Uncertain significance for Endometrial carcinoma. Last evaluated: 2023-06-26. Review status: criteria provided, single submitter. Criteria: ACMG Guidelines, 2015. Collection method: clinical testing. Allele origin: unknown.

Literature cited by the submitters: PubMed 25142776 (cited by Labcorp Genetics (formerly Invitae), Labcorp and Ambry Genetics).